The following is an entry in ClinVar:

NM_000512.5(GALNS):c.454del (p.Pro151_Leu152insTer)

Gene: GALNS (galactosamine (N-acetyl)-6-sulfatase; minus strand). Cytogenetic location: 16q24.3.
Variant type: Deletion.
Coding change: c.454del on transcript NM_000512.5 (MANE Select); coding-DNA position 454, one base deleted (C; older notation c.454delC).
Protein change: p.Pro151_Leu152insTer.
Molecular consequence: nonsense. On other transcripts: 5 prime UTR variant (1).
Genome position (GRCh38, 1-based): chr16:88,837,734, G deleted on the plus strand (C on the coding strand, the reverse complement: GALNS is on the minus strand); the first of 5 consecutive G bases (chr16:88,837,734-88,837,738); deleting any one gives the same sequence. VCF-style (leftmost placement, unchanged base first): chr16-88837733-AG-A. GRCh37 (hg19) VCF-style: chr16-88904141-AG-A.
Other names: c.-102del (NM_001323543.2); c.472del, p.Pro157_Leu158insTer (NM_001323544.2).
Identifiers: ClinVar variation 1928448 (VCV001928448.8), dbSNP rs1912290012, ClinGen allele CA645575367.

ClinVar aggregate classification (germline): Pathogenic/Likely pathogenic. Review status: criteria provided, multiple submitters, no conflicts (2 of 4 stars). 2 submissions from 2 submitters: Pathogenic (1); Likely pathogenic (1). Last evaluated 2022-09-02.

Conditions:
Mucopolysaccharidosis, MPS-IV-A (MPS4A). Also called: Morquio syndrome A, mild; MORQUIO SYNDROME A; GALACTOSAMINE-6-SULFATASE DEFICIENCY; GALNS DEFICIENCY; MORQUIO A DISEASE; Mucopolysaccharidosis type IV A. Identifiers: Orphanet 309297, Orphanet 582, MedGen C0086651, MONDO:0009659, OMIM 253000.

Submissions (2):

Revvity Omics, Revvity
Classification: Likely pathogenic for Mucopolysaccharidosis, MPS-IV-A. Last evaluated: 2022-09-02. Review status: criteria provided, single submitter. Criteria: ACMG Guidelines, 2015. Collection method: clinical testing. Allele origin: germline.

Labcorp Genetics (formerly Invitae), Labcorp
Classification: Pathogenic for Mucopolysaccharidosis, MPS-IV-A. Last evaluated: 2022-04-29. Review status: criteria provided, single submitter. Criteria: Invitae Variant Classification Sherloc (09022015). Collection method: clinical testing. Allele origin: germline.
Comment: For these reasons, this variant has been classified as Pathogenic. This variant has not been reported in the literature in individuals affected with GALNS-related conditions. This variant is not present in population databases (gnomAD no frequency). This sequence change creates a premature translational stop signal (p.Leu152*) in the GALNS gene. It is expected to result in an absent or disrupted protein product. Loss-of-function variants in GALNS are known to be pathogenic (PMID: 12442278).

Literature cited by the submitters: PubMed 12442278 (cited by Labcorp Genetics (formerly Invitae), Labcorp).